The following is an entry in ClinVar:

ClinVar aggregate classification (germline): Uncertain significance (1 of 4 stars; one submission).

Conditions:
Cardiovascular phenotype. Identifiers: MedGen CN230736.

Allele frequency attached by ClinVar (database versions not stated): TOPMed 0.00001; gnomAD exomes 0.00002.
gnomAD v4.1: 22 of 1,443,802 alleles (0.0015%); highest among the groups gnomAD compares: Non-Finnish European, 0.002%; no homozygotes.

Submission:

Ambry Genetics
Classification: Uncertain significance for Cardiovascular phenotype. Last evaluated: 2022-02-14. Review status: criteria provided, single submitter. Criteria: Ambry Variant Classification Scheme 2023. Collection method: clinical testing. Allele origin: germline.
Comment: The p.G1003R variant (also known as c.3007G>A), located in coding exon 1 of the ZNF469 gene, results from a G to A substitution at nucleotide position 3007. The glycine at codon 1003 is replaced by arginine, an amino acid with dissimilar properties. This amino acid position is conserved. In addition, this alteration is predicted to be tolerated by in silico analysis. Since supporting evidence is limited at this time, the clinical significance of this alteration remains unclear.

NM_001367624.2(ZNF469):c.3007G>A (p.Gly1003Arg)

Gene: ZNF469 (zinc finger protein 469; plus strand). Cytogenetic location: 16q24.2.
Variant type: single nucleotide variant.
Coding change: c.3007G>A on transcript NM_001367624.2 (MANE Select); coding-DNA position 3007, G replaced by A.
Protein change: p.Gly1003Arg; replaces glycine 1003 with arginine.
Molecular consequence: missense variant.
Genome position (GRCh38, 1-based): chr16:88,430,477, G>A. VCF-style: chr16-88430477-G-A. GRCh37 (hg19) VCF-style: chr16-88496885-G-A.
Other names: NM_001127464.1:c.3007G>A; short protein forms G1003R.
Identifiers: ClinVar variation 1798753 (VCV001798753.2), dbSNP rs1456441478, ClinGen allele CA397076757.